The following is an entry in ClinVar:

ClinVar aggregate classification (germline): Uncertain significance (1 of 4 stars; one submission).

Conditions:
Early Myoclonic Encephalopathy. Identifiers: MedGen C0270855.

Submission:

Labcorp Genetics (formerly Invitae), Labcorp
Classification: Uncertain significance for Early Myoclonic Encephalopathy. Last evaluated: 2024-12-17. Review status: criteria provided, single submitter. Criteria: Invitae Variant Classification Sherloc (09022015). Collection method: clinical testing. Allele origin: germline.
Comment: This sequence change replaces arginine, which is basic and polar, with histidine, which is basic and polar, at codon 108 of the KCND2 protein (p.Arg108His). This variant is not present in population databases (gnomAD no frequency). This variant has not been reported in the literature in individuals affected with KCND2-related conditions. ClinVar contains an entry for this variant (Variation ID: 1036551). Invitae Evidence Modeling of protein sequence and biophysical properties (such as structural, functional, and spatial information, amino acid conservation, physicochemical variation, residue mobility, and thermodynamic stability) has been performed for this missense variant. However, the output from this modeling did not meet the statistical confidence thresholds required to predict the impact of this variant on KCND2 protein function. In summary, the available evidence is currently insufficient to determine the role of this variant in disease. Therefore, it has been classified as a Variant of Uncertain Significance.

NM_012281.3(KCND2):c.323G>A (p.Arg108His)

Gene: KCND2 (potassium voltage-gated channel subfamily D member 2; plus strand). Cytogenetic location: 7q31.31.
Variant type: single nucleotide variant.
Coding change: c.323G>A on transcript NM_012281.3 (MANE Select); coding-DNA position 323, G replaced by A.
Protein change: p.Arg108His; replaces arginine 108 with histidine.
Molecular consequence: missense variant.
Genome position (GRCh38, 1-based): chr7:120,274,955, G>A. VCF-style: chr7-120274955-G-A. GRCh37 (hg19) VCF-style: chr7-119915009-G-A.
Other names: short protein forms R108H.
Identifiers: ClinVar variation 1036551 (VCV001036551.8), dbSNP rs1799151446, ClinGen allele CA369131338.